The following is an entry in ClinVar:

ClinVar aggregate classification (germline): Likely pathogenic (1 of 4 stars; one submission).

Submission:

GeneDx
Classification: Likely pathogenic. Last evaluated: 2024-10-30. Review status: criteria provided, single submitter. Criteria: GeneDx Variant Classification Process June 2021. Collection method: clinical testing. Allele origin: germline. Affected: yes.
Comment: Nonsense variant predicted to result in protein truncation, as the last 101 amino acid(s) are lost, and other loss-of-function variants have been reported downstream in HGMD; Not observed at significant frequency in large population cohorts (gnomAD); Has not been previously published as pathogenic or benign to our knowledge

NM_021728.4(OTX2):c.591del (p.Gly196_Tyr197insTer)

Gene: OTX2 (orthodenticle homeobox 2; minus strand). Cytogenetic location: 14q22.3.
Variant type: Deletion.
Coding change: c.591del on transcript NM_021728.4 (MANE Select); coding-DNA position 591, one base deleted (T; older notation c.591delT).
Protein change: p.Gly196_Tyr197insTer.
Molecular consequence: nonsense. On other transcripts: non-coding transcript variant (2).
Genome position (GRCh38, 1-based): chr14:56,802,038, A deleted on the plus strand (T on the coding strand, the reverse complement: OTX2 is on the minus strand). VCF-style (leftmost placement, unchanged base first): chr14-56802037-CA-C. GRCh37 (hg19) VCF-style: chr14-57268755-CA-C.
Other names: c.591del, p.Gly196_Tyr197insTer (NM_001270525.2); c.567del, p.Gly188_Tyr189insTer (NM_001270523.2, NM_001270524.2, NM_172337.3).
Identifiers: ClinVar variation 3897220 (VCV003897220.1).